The following is an entry in ClinVar:

NM_005045.4(RELN):c.8074G>T (p.Val2692Phe)

Gene: RELN (reelin; minus strand). Cytogenetic location: 7q22.1.
Variant type: single nucleotide variant.
Coding change: c.8074G>T on transcript NM_005045.4 (MANE Select); coding-DNA position 8074, G replaced by T.
Protein change: p.Val2692Phe; replaces valine 2692 with phenylalanine.
Molecular consequence: missense variant.
Genome position (GRCh38, 1-based): chr7:103,515,230, C>A on the plus strand (G>T on the coding strand, the complement: RELN is on the minus strand). VCF-style: chr7-103515230-C-A. GRCh37 (hg19) VCF-style: chr7-103155677-C-A.
Other names: c.8074G>T, p.Val2692Phe (NM_173054.3); short protein forms V2692F.
Identifiers: ClinVar variation 1719369 (VCV001719369.5), dbSNP rs2484740723, ClinGen allele CA368762749.

ClinVar aggregate classification (germline): Uncertain significance (1 of 4 stars; one submission).

Conditions:
Norman-Roberts syndrome (LIS2). Also called: Lissencephaly 2 (Norman-Roberts type). Identifiers: Orphanet 89844, MedGen C0796089, MONDO:0009760, OMIM 257320.
Familial temporal lobe epilepsy 7. Identifiers: Orphanet 101046, MedGen C4225327, MONDO:0014639, OMIM 616436.

Submission:

Labcorp Genetics (formerly Invitae), Labcorp
Classification: Uncertain significance for Familial temporal lobe epilepsy 7; Norman-Roberts syndrome. Last evaluated: 2022-10-26. Review status: criteria provided, single submitter. Criteria: Invitae Variant Classification Sherloc (09022015). Collection method: clinical testing. Allele origin: germline.
Comment: This variant has not been reported in the literature in individuals affected with RELN-related conditions. This sequence change replaces valine, which is neutral and non-polar, with phenylalanine, which is neutral and non-polar, at codon 2692 of the RELN protein (p.Val2692Phe). This variant is not present in population databases (gnomAD no frequency). Advanced modeling of protein sequence and biophysical properties (such as structural, functional, and spatial information, amino acid conservation, physicochemical variation, residue mobility, and thermodynamic stability) performed at Invitae indicates that this missense variant is not expected to disrupt RELN protein function. In summary, the available evidence is currently insufficient to determine the role of this variant in disease. Therefore, it has been classified as a Variant of Uncertain Significance.